The following is an entry in ClinVar:

ClinVar aggregate classification (germline): Conflicting classifications of pathogenicity. Review status: criteria provided, conflicting classifications (1 of 4 stars). 5 submissions from 5 submitters: Uncertain significance (2); Likely benign (2). 1 of the submissions does not count toward it. Last evaluated 2025-11-20.

Conditions:
LARS2-related disorder. Also called: LARS2-related condition.
Hydrops-lactic acidosis-sideroblastic anemia-multisystemic failure syndrome. Also called: Hydrops, lactic acidosis, and sideroblastic anemia. Identifiers: Orphanet 528091, MedGen C4310761, MONDO:0014869, OMIM 617021.

Allele frequency attached by ClinVar (database versions not stated): gnomAD 0.00004; gnomAD exomes 0.00006 and 0.00030; TOPMed 0.00013; ExAC 0.00025.
gnomAD v4.1: 92 of 1,614,096 alleles (0.0057%); highest among the groups gnomAD compares: Admixed American, 0.13%; no homozygotes.

Submissions (5):

Labcorp Genetics (formerly Invitae), Labcorp
Classification: Likely benign. Last evaluated: 2025-11-20. Review status: criteria provided, single submitter. Criteria: Invitae Variant Classification Sherloc (09022015). Collection method: clinical testing. Allele origin: germline.

Blueprint Genetics
Classification: Likely benign. Last evaluated: 2024-03-25. Review status: criteria provided, single submitter. Criteria: ACMG Guidelines, 2015. Collection method: clinical testing. Allele origin: germline.

GeneDx
Classification: Uncertain significance. Last evaluated: 2022-10-03. Review status: criteria provided, single submitter. Criteria: GeneDx Variant Classification Process June 2021. Collection method: clinical testing. Allele origin: germline. Affected: yes.
Comment: In silico analysis supports that this missense variant does not alter protein structure/function; Has not been previously published as pathogenic or benign to our knowledge

Baylor Genetics
Classification: Uncertain significance for Hydrops-lactic acidosis-sideroblastic anemia-multisystemic failure syndrome. Last evaluated: 2018-06-14. Review status: criteria provided, single submitter. Criteria: ACMG Guidelines, 2015. Collection method: clinical testing. Allele origin: maternal. Affected: yes.
Comment: This variant was determined to be of uncertain significance according to ACMG Guidelines, 2015 [PMID:25741868].

PreventionGenetics, part of Exact Sciences
Classification: Likely benign for LARS2-related condition. Last evaluated: 2024-02-20. Review status: no assertion criteria provided. Collection method: clinical testing. Allele origin: germline. Not counted in ClinVar's aggregate classification.
Comment: This variant is classified as likely benign based on ACMG/AMP sequence variant interpretation guidelines (Richards et al. 2015 PMID: 25741868, with internal and published modifications).

NM_015340.4(LARS2):c.944C>T (p.Ser315Leu)

Gene: LARS2 (leucyl-tRNA synthetase 2, mitochondrial; plus strand). Cytogenetic location: 3p21.31.
Variant type: single nucleotide variant.
Coding change: c.944C>T on transcript NM_015340.4 (MANE Select); coding-DNA position 944, C replaced by T.
Protein change: p.Ser315Leu; replaces serine 315 with leucine.
Molecular consequence: missense variant.
Genome position (GRCh38, 1-based): chr3:45,476,553, C>T. VCF-style: chr3-45476553-C-T. GRCh37 (hg19) VCF-style: chr3-45518045-C-T.
Other names: c.944C>T, p.Ser315Leu (NM_001368263.1); short protein forms S315L.
Identifiers: ClinVar variation 1031906 (VCV001031906.16), dbSNP rs755162646, ClinGen allele CA2349457.